The following is an entry in ClinVar:

ClinVar aggregate classification (germline): Benign/Likely benign. Review status: criteria provided, multiple submitters, no conflicts (2 of 4 stars). 7 submissions from 7 submitters: Benign (4); Likely benign (3). Last evaluated 2026-01-27.

Conditions:
Xanthinuria type II. Also called: Xanthine dehydrogenase and aldehyde oxidase combined deficiency of; XDH and AOX dual deficiency. Identifiers: Orphanet 3467, Orphanet 93602, MedGen C1863688, MONDO:0011346, OMIM 603592.
Hereditary xanthinuria type 1 (XAN1). Identifiers: Orphanet 3467, Orphanet 93601, MedGen C0268118, MONDO:0010209, OMIM 278300.

Allele frequency attached by ClinVar (database versions not stated): ESP Exome Variant Server 0.02637; TOPMed 0.02677; gnomAD 0.02692 and 0.02892; gnomAD exomes 0.03358 and 0.03402; ExAC 0.03575; 1000 Genomes Project 30x 0.04310; 1000 Genomes Project 0.04393.
gnomAD v4.1: 53,647 of 1,613,936 alleles (3.3%); highest among the groups gnomAD compares: South Asian, 6.7%; 1,101 homozygotes.

Submissions (7):

Labcorp Genetics (formerly Invitae), Labcorp
Classification: Benign for Xanthinuria type II. Last evaluated: 2026-01-27. Review status: criteria provided, single submitter. Criteria: Invitae Variant Classification Sherloc (09022015). Collection method: clinical testing. Allele origin: germline.

Blueprint Genetics
Classification: Likely benign. Last evaluated: 2024-11-26. Review status: criteria provided, single submitter. Criteria: ACMG Guidelines, 2015. Collection method: clinical testing. Allele origin: germline.

Mayo Clinic Laboratories, Mayo Clinic
Classification: Benign. Last evaluated: 2022-03-09. Review status: criteria provided, single submitter. Criteria: ACMG Guidelines, 2015. Collection method: clinical testing. Allele origin: germline. Observed: 10 variant alleles.

Genome-Nilou Lab
Classification: Benign for Hereditary xanthinuria type 1. Last evaluated: 2021-12-05. Review status: criteria provided, single submitter. Criteria: ACMG Guidelines, 2015. Collection method: clinical testing. Allele origin: germline. Affected: no.

GeneDx
Classification: Benign. Last evaluated: 2020-06-07. Review status: criteria provided, single submitter. Criteria: GeneDx Variant Classification Process June 2021. Collection method: clinical testing. Allele origin: germline. Affected: yes.

Illumina Laboratory Services, Illumina
Classification: Likely benign for Hereditary xanthinuria type 1. Last evaluated: 2017-04-27. Review status: criteria provided, single submitter. Criteria: ICSL Variant Classification Criteria 13 December 2019. Collection method: clinical testing. Allele origin: germline.
Comment: This variant was observed as part of a predisposition screen in an ostensibly healthy population. A literature search was performed for the gene, cDNA change, and amino acid change (where applicable). No publications were found based on this search. Allele frequency data from public databases allowed determination this variant is unlikely to cause disease. Therefore, this variant is classified as likely benign.

Breakthrough Genomics
Classification: Likely benign. Review status: criteria provided, single submitter. Criteria: ACMG Guidelines, 2015. Collection method: not provided. Allele origin: germline. Inheritance: Autosomal recessive inheritance. Affected: yes.

NM_000379.4(XDH):c.837C>T (p.Val279=)

Gene: XDH (xanthine dehydrogenase; minus strand). Cytogenetic location: 2p23.1.
Variant type: single nucleotide variant.
Coding change: c.837C>T on transcript NM_000379.4 (MANE Select); coding-DNA position 837, C replaced by T.
Protein change: p.Val279=; no amino-acid change (valine 279 retained).
Molecular consequence: synonymous variant.
Genome position (GRCh38, 1-based): chr2:31,383,804, G>A on the plus strand (C>T on the coding strand, the complement: XDH is on the minus strand). VCF-style: chr2-31383804-G-A. GRCh37 (hg19) VCF-style: chr2-31606670-G-A.
Other names: p.Val279=.
Identifiers: ClinVar variation 335793 (VCV000335793.19), dbSNP rs4407290, ClinGen allele CA1599465.